The following is an entry in ClinVar:

NM_016247.4(IMPG2):c.3045G>C (p.Lys1015Asn)

Gene: IMPG2 (interphotoreceptor matrix proteoglycan 2; minus strand). Cytogenetic location: 3q12.3.
Variant type: single nucleotide variant.
Coding change: c.3045G>C on transcript NM_016247.4 (MANE Select); coding-DNA position 3045, G replaced by C.
Protein change: p.Lys1015Asn; replaces lysine 1015 with asparagine.
Molecular consequence: missense variant.
Genome position (GRCh38, 1-based): chr3:101,232,969, C>G on the plus strand (G>C on the coding strand, the complement: IMPG2 is on the minus strand). VCF-style: chr3-101232969-C-G. GRCh37 (hg19) VCF-style: chr3-100951813-C-G.
Other names: c.3045G>C (NM_016247.3); short protein forms K1015N.
Identifiers: ClinVar variation 1064243 (VCV001064243.10), dbSNP rs202156705, ClinGen allele CA79712718.

ClinVar aggregate classification (germline): Uncertain significance. Review status: criteria provided, multiple submitters, no conflicts (2 of 4 stars). 3 submissions from 3 submitters: Uncertain significance (3). Last evaluated 2025-02-11.

Conditions:
Inborn genetic diseases. Identifiers: MedGen C0950123, MeSH D030342.

Allele frequency attached by ClinVar (database versions not stated): gnomAD 0.00001; gnomAD exomes 0.00001; TOPMed 0.00001.
gnomAD v4.1: 10 of 1,613,944 alleles (0.00062%); highest among the groups gnomAD compares: Middle Eastern, 0.033%; no homozygotes.

Submissions (3):

Labcorp Genetics (formerly Invitae), Labcorp
Classification: Uncertain significance. Last evaluated: 2025-02-11. Review status: criteria provided, single submitter. Criteria: Invitae Variant Classification Sherloc (09022015). Collection method: clinical testing. Allele origin: germline.
Comment: This sequence change replaces lysine, which is basic and polar, with asparagine, which is neutral and polar, at codon 1015 of the IMPG2 protein (p.Lys1015Asn). This variant is present in population databases (rs202156705, gnomAD 0.004%). This variant has not been reported in the literature in individuals affected with IMPG2-related conditions. ClinVar contains an entry for this variant (Variation ID: 1064243). Invitae Evidence Modeling of protein sequence and biophysical properties (such as structural, functional, and spatial information, amino acid conservation, physicochemical variation, residue mobility, and thermodynamic stability) indicates that this missense variant is expected to disrupt IMPG2 protein function with a positive predictive value of 80%. In summary, the available evidence is currently insufficient to determine the role of this variant in disease. Therefore, it has been classified as a Variant of Uncertain Significance.

Ambry Genetics
Classification: Uncertain significance for Inborn genetic diseases. Last evaluated: 2023-05-24. Review status: criteria provided, single submitter. Criteria: Ambry Variant Classification Scheme 2023. Collection method: clinical testing. Allele origin: germline.

Blueprint Genetics
Classification: Uncertain significance. Last evaluated: 2021-12-08. Review status: criteria provided, single submitter. Criteria: ACMG Guidelines, 2015. Collection method: clinical testing. Allele origin: germline.